The following is an entry in ClinVar:

ClinVar aggregate classification (germline): Likely benign (1 of 4 stars; one submission).

Conditions:
Surfactant metabolism dysfunction, pulmonary, 1. Also called: INTERSTITIAL LUNG DISEASE DUE TO SURFACTANT PROTEIN B DEFICIENCY; INTERSTITIAL LUNG DISEASE, NONSPECIFIC, DUE TO SURFACTANT PROTEIN B DEFICIENCY; PULMONARY ALVEOLAR PROTEINOSIS, CONGENITAL, 1; Pulmonary surfactant protein B, deficiency of; Neonatal acute respiratory distress due to SP-B deficiency. Identifiers: Orphanet 217563, MedGen C1968602, MONDO:0009929, OMIM 265120.

Allele frequency attached by ClinVar (database versions not stated): TOPMed 0.00039; 1000 Genomes Project 0.00060; 1000 Genomes Project 30x 0.00125; gnomAD 0.00033 and 0.00035.

Submission:

Illumina Laboratory Services, Illumina
Classification: Likely benign for Surfactant metabolism dysfunction, pulmonary, 1. Last evaluated: 2018-01-12. Review status: criteria provided, single submitter. Criteria: ICSL Variant Classification Criteria 13 December 2019. Collection method: clinical testing. Allele origin: germline.
Comment: This variant was observed in the ICSL laboratory as part of a predisposition screen in an ostensibly healthy population. It had not been previously curated by ICSL or reported in the Human Gene Mutation Database (HGMD: prior to June 1st, 2018), and was therefore a candidate for classification through an automated scoring system. Utilizing variant allele frequency, disease prevalence and penetrance estimates, and inheritance mode, an automated score was calculated to assess if this variant is too frequent to cause the disease. Based on the score and internal cut-off values, a variant classified as likely benign is not then subjected to further curation. The score for this variant resulted in a classification of likely benign for this disease.

NM_000542.5(SFTPB):c.*1640T>A

Gene: SFTPB (surfactant protein B; minus strand). Cytogenetic location: 2p11.2.
Variant type: single nucleotide variant.
Coding change: c.*1640T>A on transcript NM_000542.5 (MANE Select); 1640 bases downstream of the stop codon, T replaced by A.
Molecular consequence: 3 prime UTR variant.
Genome position (GRCh38, 1-based): chr2:85,658,062, A>T on the plus strand (T>A on the coding strand, the complement: SFTPB is on the minus strand). VCF-style: chr2-85658062-A-T. GRCh37 (hg19) VCF-style: chr2-85885185-A-T.
Other names: c.*719T>A (NM_001367281.2); c.*813T>A (NM_198843.4).
Identifiers: ClinVar variation 337294 (VCV000337294.5), dbSNP rs186308421, ClinGen allele CA10616360.
Genomic context (GRCh38, chr2:85,658,062, plus strand): 5'-TCACAATGGTGGAATGTCATCAGTTAAGGCAGGAACTGGCTATTTTCACTTCTTTTGTGG[A>T]TCTTCAGTTGCTTCAGGCCATCTGGGTGTATACGTGCAGGGCACAGGGGATATGATGGCT-3'